The following is an entry in ClinVar:

NM_030777.3(SLC2A10):c.-273C>T

Gene: SLC2A10 (solute carrier family 2 member 10; plus strand). Cytogenetic location: 20q13.12.
Variant type: single nucleotide variant.
Coding change: c.-273C>T on transcript NM_030777.3; 273 bases upstream of the start codon, C replaced by T.
Genome position (GRCh38, 1-based): chr20:46,709,464, C>T. VCF-style: chr20-46709464-C-T. GRCh37 (hg19) VCF-style: chr20-45338103-C-T.
Identifiers: ClinVar variation 669626 (VCV000669626.4), dbSNP rs137938281, ClinGen allele CA315740790.

ClinVar aggregate classification (germline): Likely benign. Review status: criteria provided, multiple submitters, no conflicts (2 of 4 stars). 2 submissions from 2 submitters: Likely benign (2). Last evaluated 2018-06-14.

Allele frequency attached by ClinVar (database versions not stated): gnomAD 0.01890 and 0.02020; 1000 Genomes Project 30x 0.01390; 1000 Genomes Project 0.01378; TOPMed 0.01863.

Submissions (2):

GeneDx
Classification: Likely benign. Last evaluated: 2018-06-14. Review status: criteria provided, single submitter. Criteria: GeneDx Variant Classification (06012015). Collection method: clinical testing. Allele origin: germline. Affected: yes.
Comment: This variant is considered likely benign or benign based on one or more of the following criteria: it is a conservative change, it occurs at a poorly conserved position in the protein, it is predicted to be benign by multiple in silico algorithms, and/or has population frequency not consistent with disease.

Breakthrough Genomics
Classification: Likely benign. Review status: criteria provided, single submitter. Criteria: ACMG Guidelines, 2015. Collection method: not provided. Allele origin: germline. Inheritance: Autosomal recessive inheritance. Affected: yes.